The following is an entry in ClinVar:

NM_005219.5(DIAPH1):c.3576G>A (p.Glu1192=)

Gene: DIAPH1 (diaphanous related formin 1; minus strand). Cytogenetic location: 5q31.3.
Variant type: single nucleotide variant.
Coding change: c.3576G>A on transcript NM_005219.5 (MANE Select); coding-DNA position 3576, G replaced by A.
Protein change: p.Glu1192=; no amino-acid change (glutamic acid 1192 retained).
Molecular consequence: synonymous variant.
Genome position (GRCh38, 1-based): chr5:141,524,228, C>T on the plus strand (G>A on the coding strand, the complement: DIAPH1 is on the minus strand). VCF-style: chr5-141524228-C-T. GRCh37 (hg19) VCF-style: chr5-140903795-C-T.
Other names: c.3549G>A, p.Glu1183= (NM_001079812.3); c.3576G>A, p.Glu1192= (NM_001314007.2).
Identifiers: ClinVar variation 2027410 (VCV002027410.4), dbSNP rs2513613150, ClinGen allele CA446855128.

ClinVar aggregate classification (germline): Uncertain significance (1 of 4 stars; one submission).

Conditions:
Progressive microcephaly-seizures-cortical blindness-developmental delay syndrome. Also called: Seizures, cortical blindness, and microcephaly syndrome. Identifiers: Orphanet 477814, MedGen C5567650, MONDO:0014714, OMIM 616632.
Autosomal dominant nonsyndromic hearing loss 1. Also called: DEAFNESS, AUTOSOMAL DOMINANT 1, WITH OR WITHOUT THROMBOCYTOPENIA; KONIGSMARK SYNDROME. Identifiers: Orphanet 90635, MedGen C1852282, MONDO:0007424, OMIM 124900.

Submission:

Labcorp Genetics (formerly Invitae), Labcorp
Classification: Uncertain significance for Progressive microcephaly-seizures-cortical blindness-developmental delay syndrome; Autosomal dominant nonsyndromic hearing loss 1. Last evaluated: 2022-09-17. Review status: criteria provided, single submitter. Criteria: Invitae Variant Classification Sherloc (09022015). Collection method: clinical testing. Allele origin: germline.
Comment: This sequence change affects codon 1192 of the DIAPH1 mRNA. It is a 'silent' change, meaning that it does not change the encoded amino acid sequence of the DIAPH1 protein. This variant is not present in population databases (gnomAD no frequency). This variant has not been reported in the literature in individuals affected with DIAPH1-related conditions. Algorithms developed to predict the effect of sequence changes on RNA splicing suggest that this variant may create or strengthen a splice site. In summary, the available evidence is currently insufficient to determine the role of this variant in disease. Therefore, it has been classified as a Variant of Uncertain Significance.